The following is an entry in ClinVar:

NM_004733.4(SLC33A1):c.1396G>C (p.Val466Leu)

Gene: SLC33A1 (solute carrier family 33 member 1; minus strand). Cytogenetic location: 3q25.31.
Variant type: single nucleotide variant.
Coding change: c.1396G>C on transcript NM_004733.4 (MANE Select); coding-DNA position 1396, G replaced by C.
Protein change: p.Val466Leu; replaces valine 466 with leucine.
Molecular consequence: missense variant.
Genome position (GRCh38, 1-based): chr3:155,829,774, C>G on the plus strand (G>C on the coding strand, the complement: SLC33A1 is on the minus strand). VCF-style: chr3-155829774-C-G. GRCh37 (hg19) VCF-style: chr3-155547563-C-G.
Other names: c.1396G>C, p.Val466Leu (NM_001190992.2); c.1090G>C, p.Val364Leu (NM_001363883.1); short protein forms V466L, V364L.
Identifiers: ClinVar variation 1437536 (VCV001437536.8), dbSNP rs769973927, ClinGen allele CA85812970.

ClinVar aggregate classification (germline): Uncertain significance (1 of 4 stars; one submission).

Conditions:
Spastic paraplegia. Identifiers: MedGen C0037772, HP:0001258.

gnomAD v4.1: 2 of 1,614,026 alleles (0.00012%); highest among the groups gnomAD compares: Non-Finnish European, 0.00017%; no homozygotes.

Submission:

Labcorp Genetics (formerly Invitae), Labcorp
Classification: Uncertain significance for Spastic paraplegia. Last evaluated: 2024-10-24. Review status: criteria provided, single submitter. Criteria: Invitae Variant Classification Sherloc (09022015). Collection method: clinical testing. Allele origin: germline.
Comment: This sequence change replaces valine, which is neutral and non-polar, with leucine, which is neutral and non-polar, at codon 466 of the SLC33A1 protein (p.Val466Leu). This variant is not present in population databases (gnomAD no frequency). This variant has not been reported in the literature in individuals affected with SLC33A1-related conditions. ClinVar contains an entry for this variant (Variation ID: 1437536). Invitae Evidence Modeling of protein sequence and biophysical properties (such as structural, functional, and spatial information, amino acid conservation, physicochemical variation, residue mobility, and thermodynamic stability) indicates that this missense variant is not expected to disrupt SLC33A1 protein function with a negative predictive value of 80%. In summary, the available evidence is currently insufficient to determine the role of this variant in disease. Therefore, it has been classified as a Variant of Uncertain Significance.